The following is an entry in ClinVar:

ClinVar aggregate classification (germline): Benign (1 of 4 stars; one submission).

Conditions:
VACTERL association, X-linked, with or without hydrocephalus (VACTERLX). Also called: VACTERL-H, X-LINKED; VACTERL Association with Hydrocephalus, X-linked; X-linked VACTERL-H syndrome; VACTERL ASSOCIATION, X-LINKED. Identifiers: Orphanet 3412, MedGen C2931228, MONDO:0010752, OMIM 314390.

Allele frequency attached by ClinVar (database versions not stated): gnomAD exomes 0.00041 and 0.00110; ExAC 0.00145; 1000 Genomes Project 30x 0.00187; 1000 Genomes Project 0.00212; gnomAD 0.00298 and 0.00328; TOPMed 0.00410; ESP Exome Variant Server 0.00511.
gnomAD v4.1: 780 of 1,192,308 alleles (0.065%); highest among the groups gnomAD compares: African/African-American, 1.1%; 4 homozygotes.

Submission:

Illumina Laboratory Services, Illumina
Classification: Benign for VACTERL association, X-linked, with or without hydrocephalus. Last evaluated: 2018-01-13. Review status: criteria provided, single submitter. Criteria: ICSL Variant Classification Criteria 13 December 2019. Collection method: clinical testing. Allele origin: germline.
Comment: This variant was observed in the ICSL laboratory as part of a predisposition screen in an ostensibly healthy population. It had not been previously curated by ICSL or reported in the Human Gene Mutation Database (HGMD: prior to June 1st, 2018), and was therefore a candidate for classification through an automated scoring system. Utilizing variant allele frequency, disease prevalence and penetrance estimates, and inheritance mode, an automated score was calculated to assess if this variant is too frequent to cause the disease. Based on the score and internal cut-off values, a variant classified as benign is not then subjected to further curation. The score for this variant resulted in a classification of benign for this disease.

NM_003413.4(ZIC3):c.*41A>G

Gene: ZIC3 (Zic family zinc finger 3; plus strand). Cytogenetic location: Xq26.3.
Variant type: single nucleotide variant.
Coding change: c.*41A>G on transcript NM_003413.4 (MANE Select); 41 bases downstream of the stop codon, A replaced by G.
Molecular consequence: 3 prime UTR variant. On other transcripts: intron variant (1).
Genome position (GRCh38, 1-based): chrX:137,570,111, A>G. VCF-style: chrX-137570111-A-G. GRCh37 (hg19) VCF-style: chrX-136652270-A-G.
Other names: c.1224+1046A>G (NM_001330661.1).
Identifiers: ClinVar variation 367955 (VCV000367955.6), dbSNP rs12387258, ClinGen allele CA10529423.
Genomic context (GRCh38, chrX:137,570,111, plus strand): 5'-TTAACGAATGGTACGTCTGAGGACAAACACAAACCCTGTTAATTATAGAATGGACCAAAT[A>G]CATTTTTAAAAGAAAACTGAGACCAATCAGATGGAAATGGAGTTTTAAGGCAAGAGGCCA-3'